The following is an entry in ClinVar:

ClinVar aggregate classification (germline): Uncertain significance. Review status: criteria provided, multiple submitters, no conflicts (2 of 4 stars). 2 submissions from 2 submitters: Uncertain significance (2). Last evaluated 2024-05-26.

Conditions:
Hereditary cancer-predisposing syndrome. Also called: Neoplastic Syndromes, Hereditary; Hereditary Cancer Syndrome; Hereditary neoplastic syndrome; Tumor predisposition. Identifiers: Orphanet 140162, MedGen C0027672, MeSH D009386, MONDO:0015356.

Allele frequency attached by ClinVar (database versions not stated): TOPMed below 0.00001; gnomAD 0.00001.
gnomAD v4.1: 1 of 1,612,650 alleles (0.000062%); highest among the groups gnomAD compares: Non-Finnish European, 0.000085%; no homozygotes.

Submissions (2):

Ambry Genetics
Classification: Uncertain significance for Hereditary cancer-predisposing syndrome. Last evaluated: 2024-05-26. Review status: criteria provided, single submitter. Criteria: Ambry Variant Classification Scheme 2023. Collection method: clinical testing. Allele origin: germline.
Comment: The p.G440E variant (also known as c.1319G>A), located in coding exon 9 of the RAD50 gene, results from a G to A substitution at nucleotide position 1319. The glycine at codon 440 is replaced by glutamic acid, an amino acid with similar properties. This amino acid position is conserved. In addition, this alteration is predicted to be tolerated by in silico analysis. Based on the available evidence, the clinical significance of this variant remains unclear.

Labcorp Genetics (formerly Invitae), Labcorp
Classification: Uncertain significance for Hereditary cancer-predisposing syndrome. Last evaluated: 2020-03-12. Review status: criteria provided, single submitter. Criteria: Invitae Variant Classification Sherloc (09022015). Collection method: clinical testing. Allele origin: germline.
Comment: This variant is not present in population databases (ExAC no frequency). This sequence change replaces glycine with glutamic acid at codon 440 of the RAD50 protein (p.Gly440Glu). The glycine residue is weakly conserved and there is a moderate physicochemical difference between glycine and glutamic acid. This variant has not been reported in the literature in individuals with RAD50-related conditions. Algorithms developed to predict the effect of missense changes on protein structure and function output the following: SIFT: "Tolerated"; PolyPhen-2: "Benign"; Align-GVGD: "Class C0". The glutamic acid amino acid residue is found in multiple mammalian species, suggesting that this missense change does not adversely affect protein function. These predictions have not been confirmed by published functional studies and their clinical significance is uncertain. In summary, the available evidence is currently insufficient to determine the role of this variant in disease. Therefore, it has been classified as a Variant of Uncertain Significance.

NM_005732.4(RAD50):c.1319G>A (p.Gly440Glu)

Gene: RAD50 (RAD50 double strand break repair protein; plus strand). Cytogenetic location: 5q31.1.
Variant type: single nucleotide variant.
Coding change: c.1319G>A on transcript NM_005732.4 (MANE Select); coding-DNA position 1319, G replaced by A.
Protein change: p.Gly440Glu; replaces glycine 440 with glutamic acid.
Molecular consequence: missense variant.
Genome position (GRCh38, 1-based): chr5:132,589,704, G>A. VCF-style: chr5-132589704-G-A. GRCh37 (hg19) VCF-style: chr5-131925396-G-A.
Other names: c.1319G>A (NM_005732.3); short protein forms G440E.
Identifiers: ClinVar variation 1058400 (VCV001058400.10), dbSNP rs1265250275, ClinGen allele CA360943814.